The following is an entry in ClinVar:

NM_000143.4(FH):c.94G>C (p.Ala32Pro)

Gene: FH (fumarate hydratase; minus strand). Cytogenetic location: 1q43.
Variant type: single nucleotide variant.
Coding change: c.94G>C on transcript NM_000143.4 (MANE Select); coding-DNA position 94, G replaced by C.
Protein change: p.Ala32Pro; replaces alanine 32 with proline.
Molecular consequence: missense variant.
Genome position (GRCh38, 1-based): chr1:241,519,629, C>G on the plus strand (G>C on the coding strand, the complement: FH is on the minus strand). VCF-style: chr1-241519629-C-G. GRCh37 (hg19) VCF-style: chr1-241682929-C-G.
Other names: short protein forms A32P.
Identifiers: ClinVar variation 2920450 (VCV002920450.3), dbSNP rs1371664717, ClinGen allele CA345442724.
Genomic context (GRCh38, chr1:241,519,629, plus strand): 5'-GGGGATGGCGGCCTGCGCTCACCATTCGAGCCGCGTTCGGAGGCCAAAACGAGGGCACGG[C>G]CGCGCCACCCAAGCCGGGAGCCGAAGCTAAGGCTGCGGCTGGAGCCCGCACGAGGGGACG-3'
Protein context (NP_000134.2, residues 22-42): LASAPGLGGA[Ala32Pro]VPSFWPPNAA

ClinVar aggregate classification (germline): Uncertain significance (1 of 4 stars; one submission).

Submission:

Labcorp Genetics (formerly Invitae), Labcorp
Classification: Uncertain significance. Last evaluated: 2024-01-12. Review status: criteria provided, single submitter. Criteria: Invitae Variant Classification Sherloc (09022015). Collection method: clinical testing. Allele origin: germline.
Comment: This sequence change replaces alanine, which is neutral and non-polar, with proline, which is neutral and non-polar, at codon 32 of the FH protein (p.Ala32Pro). This variant is not present in population databases (gnomAD no frequency). This variant has not been reported in the literature in individuals affected with FH-related conditions. Advanced modeling of protein sequence and biophysical properties (such as structural, functional, and spatial information, amino acid conservation, physicochemical variation, residue mobility, and thermodynamic stability) performed at Invitae indicates that this missense variant is not expected to disrupt FH protein function with a negative predictive value of 95%. In summary, the available evidence is currently insufficient to determine the role of this variant in disease. Therefore, it has been classified as a Variant of Uncertain Significance.